The following is an entry in ClinVar:

ClinVar aggregate classification (germline): Benign. Review status: criteria provided, multiple submitters, no conflicts (2 of 4 stars). 3 submissions from 3 submitters: Benign (2). 1 of the submissions does not count toward it. Last evaluated 2018-03-29.

Conditions:
XIRP1-related disorder. Also called: XIRP1-related condition.

Allele frequency attached by ClinVar (database versions not stated): gnomAD 0.00004 and 0.00025; ESP Exome Variant Server 0.00008; TOPMed 0.00009; 1000 Genomes Project 30x 0.00109; 1000 Genomes Project 0.00140.

Submissions (3):

Labcorp Genetics (formerly Invitae), Labcorp
Classification: Benign. Last evaluated: 2018-03-29. Review status: criteria provided, single submitter. Criteria: Invitae Variant Classification Sherloc (09022015). Collection method: clinical testing. Allele origin: germline.

Breakthrough Genomics
Classification: Benign. Review status: criteria provided, single submitter. Criteria: ACMG Guidelines, 2015. Collection method: not provided. Allele origin: germline. Inheritance: Unknown mechanism. Affected: yes.

PreventionGenetics, part of Exact Sciences
Classification: Benign for XIRP1-related condition. Last evaluated: 2019-07-17. Review status: no assertion criteria provided. Collection method: clinical testing. Allele origin: germline. Not counted in ClinVar's aggregate classification.
Comment: This variant is classified as benign based on ACMG/AMP sequence variant interpretation guidelines (Richards et al. 2015 PMID: 25741868, with internal and published modifications).

NM_194293.4(XIRP1):c.4502T>C (p.Val1501Ala)

Gene: XIRP1 (xin actin binding repeat containing 1; minus strand). Cytogenetic location: 3p22.2.
Variant type: single nucleotide variant.
Coding change: c.4502T>C on transcript NM_194293.4 (MANE Select); coding-DNA position 4502, T replaced by C.
Protein change: p.Val1501Ala; replaces valine 1501 with alanine.
Molecular consequence: missense variant. On other transcripts: 3 prime UTR variant (1).
Genome position (GRCh38, 1-based): chr3:39,184,944, A>G on the plus strand (T>C on the coding strand, the complement: XIRP1 is on the minus strand). VCF-style: chr3-39184944-A-G. GRCh37 (hg19) VCF-style: chr3-39226435-A-G.
Other names: c.*709T>C (NM_001198621.4); c.551T>C, p.Val184Ala (NM_001351377.2); short protein forms V184A, V1501A.
Identifiers: ClinVar variation 736365 (VCV000736365.6), dbSNP rs148293993, ClinGen allele CA2325832.
Genomic context (GRCh38, chr3:39,184,944, plus strand): 5'-GAGGCCTCGGGCTTTTGGTGGGCAGCAGGAGCCTGAGGAGCAGCCCCTCCCAGCTGGGGC[A>G]CGGCCTCAAAGAGCCTCCGCAGGGCCTGCACGTCCACACTGCTTGCGGCCTCCTTCTCCA-3'
Protein context (NP_919269.2, residues 1491-1511): VQALRRLFEA[Val1501Ala]PQLGGAAPQA